The following is an entry in ClinVar:

ClinVar aggregate classification (germline): Uncertain significance (1 of 4 stars; one submission).

Submission:

GeneDx
Classification: Uncertain significance. Last evaluated: 2026-03-02. Review status: criteria provided, single submitter. Criteria: GeneDx Variant Classification Process June 2021. Collection method: clinical testing. Allele origin: germline.
Comment: Not observed at significant frequency in large population cohorts (gnomAD); In silico analysis suggests that this missense variant does not alter protein structure/function; Has not been previously published as pathogenic or benign to our knowledge.

NM_014233.4(UBTF):c.728T>A (p.Leu243Gln)

Genes: ATXN7L3-AS1 (ATXN7L3 antisense RNA 1; plus strand), UBTF (upstream binding transcription factor; minus strand). Cytogenetic location: 17q21.31.
Variant type: single nucleotide variant.
Coding change: c.728T>A on transcript NM_014233.4 (MANE Select); coding-DNA position 728, T replaced by A.
Protein change: p.Leu243Gln; replaces leucine 243 with glutamine.
Molecular consequence: missense variant. On other transcripts: non-coding transcript variant (1), intron variant (2).
Genome position (GRCh38, 1-based): chr17:44,212,387, A>T on the plus strand (T>A on the coding strand, the complement: UBTF is on the minus strand). VCF-style: chr17-44212387-A-T. GRCh37 (hg19) VCF-style: chr17-42289755-A-T.
Other names: c.661-381T>A (NM_001076683.2, NM_001076684.3); short protein forms L243Q.
Identifiers: ClinVar variation 5008421 (VCV005008421.1).